The following is an entry in ClinVar:

ClinVar aggregate classification (germline): Uncertain significance. Review status: criteria provided, multiple submitters, no conflicts (2 of 4 stars). 3 submissions from 3 submitters: Uncertain significance (3). Last evaluated 2023-10-20.

Allele frequency attached by ClinVar (database versions not stated): gnomAD 0.00003; gnomAD exomes 0.00003.
gnomAD v4.1: 48 of 1,607,642 alleles (0.003%); highest among the groups gnomAD compares: Admixed American, 0.0083%; no homozygotes.

Submissions (3):

Ambry Genetics
Classification: Uncertain significance. Last evaluated: 2023-10-20. Review status: criteria provided, single submitter. Criteria: Ambry Variant Classification Scheme 2023. Collection method: clinical testing. Allele origin: germline.

Labcorp Genetics (formerly Invitae), Labcorp
Classification: Uncertain significance. Last evaluated: 2023-04-05. Review status: criteria provided, single submitter. Criteria: Invitae Variant Classification Sherloc (09022015). Collection method: clinical testing. Allele origin: germline.
Comment: Algorithms developed to predict the effect of missense changes on protein structure and function output the following: SIFT: "Not Available"; PolyPhen-2: "Benign"; Align-GVGD: "Not Available". The threonine amino acid residue is found in multiple mammalian species, which suggests that this missense change does not adversely affect protein function. This sequence change replaces alanine, which is neutral and non-polar, with threonine, which is neutral and polar, at codon 34 of the PLA2G4A protein (p.Ala34Thr). The frequency data for this variant in the population databases is considered unreliable, as metrics indicate poor data quality at this position in the gnomAD database. This variant has not been reported in the literature in individuals affected with PLA2G4A-related conditions. In summary, the available evidence is currently insufficient to determine the role of this variant in disease. Therefore, it has been classified as a Variant of Uncertain Significance.

Breakthrough Genomics
Classification: Uncertain significance. Review status: criteria provided, single submitter. Criteria: ACMG Guidelines, 2015. Collection method: not provided. Allele origin: germline. Inheritance: Autosomal recessive inheritance. Affected: yes.

NM_024420.3(PLA2G4A):c.100G>A (p.Ala34Thr)

Gene: PLA2G4A (phospholipase A2 group IVA; plus strand). Cytogenetic location: 1q31.1.
Variant type: single nucleotide variant.
Coding change: c.100G>A on transcript NM_024420.3 (MANE Select); coding-DNA position 100, G replaced by A.
Protein change: p.Ala34Thr; replaces alanine 34 with threonine.
Molecular consequence: missense variant.
Genome position (GRCh38, 1-based): chr1:186,870,501, G>A. VCF-style: chr1-186870501-G-A. GRCh37 (hg19) VCF-style: chr1-186839633-G-A.
Other names: c.100G>A, p.Ala34Thr (NM_001311193.2); c.100G>A (NM_024420.2); short protein forms A34T.
Identifiers: ClinVar variation 2890428 (VCV002890428.4), dbSNP rs778448493, ClinGen allele CA1299815.